The following is an entry in ClinVar:

NM_021614.4(KCNN2):c.1352C>T (p.Ala451Val)

Gene: KCNN2 (potassium calcium-activated channel subfamily N member 2; plus strand). Cytogenetic location: 5q22.3.
Variant type: single nucleotide variant.
Coding change: c.1352C>T on transcript NM_021614.4 (MANE Select); coding-DNA position 1352, C replaced by T.
Protein change: p.Ala451Val; replaces alanine 451 with valine.
Molecular consequence: missense variant.
Genome position (GRCh38, 1-based): chr5:114,404,571, C>T. VCF-style: chr5-114404571-C-T. GRCh37 (hg19) VCF-style: chr5-113740268-C-T.
Other names: c.1550C>T, p.Ala517Val (NM_001372233.1); short protein forms A451V, A517V.
Identifiers: ClinVar variation 3372801 (VCV003372801.1).

ClinVar aggregate classification (germline): Uncertain significance (1 of 4 stars; one submission).

gnomAD v4.1: 2 of 1,613,808 alleles (0.00012%); highest among the groups gnomAD compares: Non-Finnish European, 0.00017%; no homozygotes.

Submission:

GeneDx
Classification: Uncertain significance. Last evaluated: 2024-04-18. Review status: criteria provided, single submitter. Criteria: GeneDx Variant Classification Process June 2021. Collection method: clinical testing. Allele origin: germline. Affected: yes.
Comment: Not observed at significant frequency in large population cohorts (gnomAD); In silico analysis indicates that this missense variant does not alter protein structure/function; Has not been previously published as pathogenic or benign to our knowledge